The following is an entry in ClinVar:

NM_001126108.2(SLC12A3):c.1763C>T (p.Ala588Val)

Gene: SLC12A3 (solute carrier family 12 member 3; plus strand). Cytogenetic location: 16q13.
Variant type: single nucleotide variant.
Coding change: c.1763C>T on transcript NM_001126108.2 (MANE Select); coding-DNA position 1763, C replaced by T.
Protein change: p.Ala588Val; replaces alanine 588 with valine.
Molecular consequence: missense variant.
Genome position (GRCh38, 1-based): chr16:56,884,142, C>T. VCF-style: chr16-56884142-C-T. GRCh37 (hg19) VCF-style: chr16-56918054-C-T.
Other names: c.1763C>T, p.Ala588Val (NM_000339.3); c.1760C>T, p.Ala587Val (NM_001126107.2); short protein forms A588V, A587V.
Identifiers: ClinVar variation 8591 (VCV000008591.20), dbSNP rs121909382, ClinGen allele CA119774.

ClinVar aggregate classification (germline): Pathogenic/Likely pathogenic. Review status: criteria provided, multiple submitters, no conflicts (2 of 4 stars). 9 submissions from 9 submitters: Pathogenic (7); Likely pathogenic (1). 1 of the submissions does not count toward it. Last evaluated 2025-09-23.

Conditions:
SLC12A3-related disorder. Also called: SLC12A3-related condition.
Familial hypokalemia-hypomagnesemia (GTLMNS). Also called: gitelman syndrome; HYPOMAGNESEMIA-HYPOKALEMIA, PRIMARY RENOTUBULAR, WITH HYPOCALCIURIA; POTASSIUM AND MAGNESIUM DEPLETION. Identifiers: Orphanet 358, MedGen C0268450, MONDO:0009904, OMIM 263800.

Allele frequency attached by ClinVar (database versions not stated): TOPMed 0.00002.
gnomAD v4.1: 40 of 1,614,074 alleles (0.0025%); highest among the groups gnomAD compares: Middle Eastern, 0.016%; no homozygotes.

Submissions (9):

Labcorp Genetics (formerly Invitae), Labcorp
Classification: Pathogenic. Last evaluated: 2025-09-23. Review status: criteria provided, single submitter. Criteria: Invitae Variant Classification Sherloc (09022015). Collection method: clinical testing. Allele origin: germline.
Comment: This sequence change replaces alanine, which is neutral and non-polar, with valine, which is neutral and non-polar, at codon 588 of the SLC12A3 protein (p.Ala588Val). This variant is present in population databases (rs121909382, gnomAD 0.02%). This missense change has been observed in individuals with Gitelman syndrome (PMID: 17329572, 23328711). ClinVar contains an entry for this variant (Variation ID: 8591). Invitae Evidence Modeling of protein sequence and biophysical properties (such as structural, functional, and spatial information, amino acid conservation, physicochemical variation, residue mobility, and thermodynamic stability) indicates that this missense variant is expected to disrupt SLC12A3 protein function with a positive predictive value of 95%. Experimental studies have shown that this missense change affects SLC12A3 function (PMID: 17329572). This variant disrupts the p.Ala588 amino acid residue in SLC12A3. Other variant(s) that disrupt this residue have been observed in individuals with SLC12A3-related conditions (PMID: 23328711), which suggests that this may be a clinically significant amino acid residue. For these reasons, this variant has been classified as Pathogenic.

Natera, Inc.
Classification: Pathogenic for Gitelman syndrome. Last evaluated: 2025-07-14. Review status: criteria provided, single submitter. Criteria: Natera Variant Classification Schema (03/2026). Collection method: clinical testing. Allele origin: germline.
Comment: The c.1763C>T variant in SLC12A3 is a missense variant predicted to cause substitution of alanine to valine at amino acid 588. This variant is rare in the general population with a frequency below the threshold expected for the associated phenotype(s). This variant has been observed in one or more individuals affected with the associated recessive disease, as either homozygous or compound heterozygous with a second variant (PMID: 23328711). Functional studies show that this variant may disrupt protein function (PMID: 17329572, 29925901). Computational prediction algorithms indicate this variant is likely to affect gene or protein function. Given the available evidence, this variant is classified as Pathogenic.

Fulgent Genetics
Classification: Pathogenic for Familial hypokalemia-hypomagnesemia. Last evaluated: 2024-06-08. Review status: criteria provided, single submitter. Criteria: ACMG Guidelines, 2015. Collection method: clinical testing. Allele origin: germline.

GeneDx
Classification: Pathogenic. Last evaluated: 2022-02-16. Review status: criteria provided, single submitter. Criteria: GeneDx Variant Classification Process June 2021. Collection method: clinical testing. Allele origin: germline. Affected: yes.
Comment: Published functional studies demonstrate the same level of activity as non-injected oocytes, a positive intracellular and plasma membrane staining, and complex glycosylation and presence in both cell surface and cytoplasm contrasting with a lack of intrinsic activity (Riveira-Munoz et al., 2007); In silico analysis supports that this missense variant has a deleterious effect on protein structure/function; This variant is associated with the following publications: (PMID: 30305584, 27872838, 17329572, 8528245, 31589614, 33348466, 33775700, 23328711)

Dasa
Classification: Pathogenic for Familial hypokalemia-hypomagnesemia. Last evaluated: 2022-01-05. Review status: criteria provided, single submitter. Criteria: ACMG Guidelines, 2015. Collection method: clinical testing. Allele origin: germline. Affected: yes. Observed: 1 variant allele.
Comment: The c.1763C>T;p.(Ala588Val) missense variant has been observed in affected individual(s) and ClinVar contains an entry for this variant (ClinVar ID: 8591; OMIM: 600968.0008; PMID: 17329572; 23328711) - PS4. Well-established in vitro or in vivo functional studies support a damaging effect on the gene or gene product (PMID: 17329572) - PS3_supporting. The variant is present at low allele frequencies population databases (rs121909382– gnomAD 0.0002628%; ABraOM no frequency) - PM2_supporting. The p.(Ala588Val) was detected in trans with a pathogenic variant (PMID: 23328711) - PM3. Multiple lines of computational evidence support a deleterious effect on the gene or gene product - PP3. In summary, the currently available evidence indicates that the variant is pathogenic.

Department of Pathology and Laboratory Medicine, Sinai Health System
Classification: Likely pathogenic for Familial hypokalemia-hypomagnesemia. Last evaluated: 2021-08-05. Review status: criteria provided, single submitter. Criteria: ACMG Guidelines, 2015. Collection method: research. Allele origin: germline.

Blueprint Genetics
Classification: Pathogenic for SLC12A3-related disorders. Last evaluated: 2017-07-03. Review status: criteria provided, single submitter. Criteria: ACMG Guidelines, 2015. Collection method: clinical testing. Allele origin: germline. Affected: yes. Observed: 1 variant allele.

Juno Genomics, Hangzhou Juno Genomics, Inc
Classification: Pathogenic for Familial hypokalemia-hypomagnesemia. Review status: criteria provided, single submitter. Criteria: ACMG Guidelines, 2015. Collection method: clinical testing. Allele origin: germline.
Comment: Absent from controls (or at extremely low frequency if recessive) in Genome Aggregation Database.;For recessive disorders, detected in trans with a pathogenic variant.;Patient's phenotype or family history is highly specific for a disease with a single genetic etiology.;Multiple lines of computational evidence support a deleterious effect on the gene or gene product.

OMIM
Classification: Pathogenic for GITELMAN SYNDROME. Last evaluated: 1996-01-01. Review status: no assertion criteria provided. Collection method: literature only. Allele origin: germline. Not counted in ClinVar's aggregate classification.

Literature cited by the submitters: PubMed 17329572 (cited by 3 submitters); PubMed 23328711 (cited by 3 submitters); PubMed 29925901 (cited by Natera, Inc.); PubMed 30596175 (cited by Dasa); PubMed 22009145 (cited by Dasa); PubMed 8528245 (cited by OMIM).